The following is an entry in ClinVar:

ClinVar aggregate classification (germline): Uncertain significance (1 of 4 stars; one submission).

Conditions:
Breast-ovarian cancer, familial, susceptibility to, 4. Identifiers: Orphanet 145, MedGen C3280345, MONDO:0013669, OMIM 614291.

Allele frequency attached by ClinVar (database versions not stated): gnomAD 0.00001.
gnomAD v4.1: 1 of 1,601,330 alleles (0.000062%); highest among the groups gnomAD compares: Non-Finnish European, 0.000086%; no homozygotes.

Submission:

Labcorp Genetics (formerly Invitae), Labcorp
Classification: Uncertain significance for Breast-ovarian cancer, familial, susceptibility to, 4. Last evaluated: 2024-04-25. Review status: criteria provided, single submitter. Criteria: Invitae Variant Classification Sherloc (09022015). Collection method: clinical testing. Allele origin: germline.
Comment: This sequence change falls in intron 2 of the RAD51D gene. It does not directly change the encoded amino acid sequence of the RAD51D protein. This variant is not present in population databases (gnomAD no frequency). This variant has not been reported in the literature in individuals affected with RAD51D-related conditions. ClinVar contains an entry for this variant (Variation ID: 2148339). Algorithms developed to predict the effect of sequence changes on RNA splicing suggest that this variant may disrupt the consensus splice site. In summary, the available evidence is currently insufficient to determine the role of this variant in disease. Therefore, it has been classified as a Variant of Uncertain Significance.

NM_002878.4(RAD51D):c.145-15G>A

Genes: RAD51D (RAD51 paralog D; minus strand), RAD51L3-RFFL (RAD51L3-RFFL readthrough; minus strand). Cytogenetic location: 17q12.
Variant type: single nucleotide variant.
Coding change: c.145-15G>A on transcript NM_002878.4 (MANE Select); 15 bases into the intron before coding-DNA position 145, G replaced by A.
Molecular consequence: intron variant.
Genome position (GRCh38, 1-based): chr17:35,118,634, C>T on the plus strand (G>A on the coding strand, the complement: RAD51D is on the minus strand). VCF-style: chr17-35118634-C-T. GRCh37 (hg19) VCF-style: chr17-33445653-C-T.
Other names: c.144+477G>A (NM_133629.3, NM_001142571.2).
Identifiers: ClinVar variation 2148339 (VCV002148339.4), dbSNP rs2091779348, ClinGen allele CA983261572.